The following is an entry in ClinVar:

ClinVar aggregate classification (germline): Benign/Likely benign. Review status: criteria provided, multiple submitters, no conflicts (2 of 4 stars). 4 submissions from 4 submitters: Benign (1); Likely benign (3). Last evaluated 2026-02-02.

Conditions:
Age related macular degeneration 14. Also called: MACULAR DEGENERATION, AGE-RELATED, 14, REDUCED RISK OF. Identifiers: MedGen C3809653, MONDO:0014207, OMIM 615489.
Complement component 2 deficiency (C2D). Also called: C2 deficiency. Identifiers: MedGen C0398756, MONDO:0009006, OMIM 217000.

Submissions (4):

Labcorp Genetics (formerly Invitae), Labcorp
Classification: Benign. Last evaluated: 2026-02-02. Review status: criteria provided, single submitter. Criteria: Invitae Variant Classification Sherloc (09022015). Collection method: clinical testing. Allele origin: germline.

Mayo Clinic Laboratories, Mayo Clinic
Classification: Likely benign. Last evaluated: 2025-09-03. Review status: criteria provided, single submitter. Criteria: ACMG Guidelines, 2015. Collection method: clinical testing. Allele origin: germline. Observed: 3 variant alleles.
Comment: BP4, BP7

Blueprint Genetics
Classification: Likely benign. Last evaluated: 2024-11-08. Review status: criteria provided, single submitter. Criteria: ACMG Guidelines, 2015. Collection method: clinical testing. Allele origin: germline.

Fulgent Genetics
Classification: Likely benign for Complement component 2 deficiency; Age related macular degeneration 14. Last evaluated: 2021-10-20. Review status: criteria provided, single submitter. Criteria: ACMG Guidelines, 2015. Collection method: clinical testing. Allele origin: unknown.

Literature cited by the submitters: PubMed 32372346 (cited by Mayo Clinic Laboratories, Mayo Clinic); PubMed 33546218 (cited by Mayo Clinic Laboratories, Mayo Clinic).

NM_000063.6(C2):c.1567+22_1567+43del

Gene: C2 (complement C2; plus strand). Cytogenetic location: 6p21.33.
Variant type: Deletion.
Coding change: c.1567+22_1567+43del on transcript NM_000063.6 (MANE Select); bases 22 to 43 of the intron after coding-DNA position 1567, 22 bases deleted (CCTCCTGATCCTGAAGCCACAG).
Molecular consequence: intron variant.
Genome position (GRCh38, 1-based): chr6:31,943,549-31,943,570, CCTCCTGATCCTGAAGCCACAG deleted; deleting any 22 consecutive bases within chr6:31,943,546-31,943,570 gives the same sequence; the c. name uses the placement nearest the transcript's 3' end. VCF-style (leftmost placement, unchanged base first): chr6-31943545-CCAGCCTCCTGATCCTGAAGCCA-C. GRCh37 (hg19) VCF-style: chr6-31911322-CCAGCCTCCTGATCCTGAAGCCA-C.
Other names: p.?; c.829+22_829+43del (NM_001282457.2); c.925+22_925+43del (NM_001178063.3); c.1480+22_1480+43del (NM_001282458.2); c.1171+22_1171+43del (NM_001145903.3).
Identifiers: ClinVar variation 1165861 (VCV001165861.12), dbSNP rs541057516, ClinGen allele CA3727736.
Genomic context (GRCh38, chr6:31,943,545, plus strand): 5'-TTCCGCGATGGCAACGACCACTCCCTGTGGAGGGTCAATGTGGGTAAGGCAGGGGATGCA[CCAGCCTCCTGATCCTGAAGCCA>C]CAGATCCTACCACCTCACCCAGCCTCTGGCCCCTGCAGGAGCCCTGGTCTAGCCTAATCT-3'